The following is an entry in ClinVar:

NM_006440.5(TXNRD2):c.497C>T (p.Thr166Met)

Gene: TXNRD2 (thioredoxin reductase 2; minus strand). Cytogenetic location: 22q11.21.
Variant type: single nucleotide variant.
Coding change: c.497C>T on transcript NM_006440.5 (MANE Select); coding-DNA position 497, C replaced by T.
Protein change: p.Thr166Met; replaces threonine 166 with methionine.
Molecular consequence: missense variant. On other transcripts: non-coding transcript variant (1).
Genome position (GRCh38, 1-based): chr22:19,915,796, G>A on the plus strand (C>T on the coding strand, the complement: TXNRD2 is on the minus strand). VCF-style: chr22-19915796-G-A. GRCh37 (hg19) VCF-style: chr22-19903319-G-A.
Other names: c.497C>T, p.Thr166Met (NM_001282512.3); c.494C>T, p.Thr165Met (NM_001352300.2); c.407C>T, p.Thr136Met (NM_001352301.2); c.209C>T, p.Thr70Met (NM_001352302.2); c.401C>T, p.Thr134Met (NM_001352303.2); short protein forms T166M, T134M, T165M, T136M, T70M.
Identifiers: ClinVar variation 453182 (VCV000453182.10), dbSNP rs553337931, ClinGen allele CA322105212.

ClinVar aggregate classification (germline): Conflicting classifications of pathogenicity. Review status: criteria provided, conflicting classifications (1 of 4 stars). 3 submissions from 3 submitters: Uncertain significance (2); Likely benign (1). Last evaluated 2026-08-14.

Conditions:
Cardiovascular phenotype. Identifiers: MedGen CN230736.
Primary dilated cardiomyopathy (DCM). Also called: Dilated Cardiomyopathy. Identifiers: Orphanet 217604, MedGen C0007193, MeSH D002311, MONDO:0005021, HP:0001644. Inheritance: Various modes of inheritance.

Allele frequency attached by ClinVar (database versions not stated): TOPMed 0.00002; 1000 Genomes Project 30x 0.00016; 1000 Genomes Project 0.00020; gnomAD exomes below 0.00001; gnomAD 0.00001.
gnomAD v4.1: 8 of 1,614,190 alleles (0.0005%); highest among the groups gnomAD compares: African/African-American, 0.0053%; no homozygotes.

Submissions (3):

Ambry Genetics
Classification: Likely benign for Cardiovascular phenotype. Last evaluated: 2026-08-14. Review status: criteria provided, single submitter. Criteria: Ambry Variant Classification Scheme 2023. Collection method: clinical testing. Allele origin: germline.

Labcorp Genetics (formerly Invitae), Labcorp
Classification: Uncertain significance for Primary dilated cardiomyopathy. Last evaluated: 2025-02-26. Review status: criteria provided, single submitter. Criteria: Invitae Variant Classification Sherloc (09022015). Collection method: clinical testing. Allele origin: germline.
Comment: This sequence change replaces threonine, which is neutral and polar, with methionine, which is neutral and non-polar, at codon 166 of the TXNRD2 protein (p.Thr166Met). This variant is present in population databases (rs553337931, gnomAD 0.007%). This variant has not been reported in the literature in individuals affected with TXNRD2-related conditions. ClinVar contains an entry for this variant (Variation ID: 453182). Invitae Evidence Modeling of protein sequence and biophysical properties (such as structural, functional, and spatial information, amino acid conservation, physicochemical variation, residue mobility, and thermodynamic stability) has been performed for this missense variant. However, the output from this modeling did not meet the statistical confidence thresholds required to predict the impact of this variant on TXNRD2 protein function. In summary, the available evidence is currently insufficient to determine the role of this variant in disease. Therefore, it has been classified as a Variant of Uncertain Significance.

GeneDx
Classification: Uncertain significance. Last evaluated: 2017-11-07. Review status: criteria provided, single submitter. Criteria: GeneDx Variant Classification (06012015). Collection method: clinical testing. Allele origin: germline. Affected: yes.
Comment: A variant of uncertain significance has been identified in the TXNRD2 gene. The T166M variant has not been published as pathogenic or been reported as benign to our knowledge. This variant is not observed at a significant frequency in large population cohorts (Lek et al., 2016). The T166M variant is a non-conservative amino acid substitution, which is likely to impact secondary protein structure as these residues differ in polarity, charge, size and/or other properties. In silico analysis predicts this variant is probably damaging to the protein structure/function. However, this substitution occurs at a position that is not conserved across species.